The following is an entry in ClinVar:

NM_012330.4(KAT6B):c.1865G>A (p.Arg622Gln)

Gene: KAT6B (lysine acetyltransferase 6B; plus strand). Cytogenetic location: 10q22.2.
Variant type: single nucleotide variant.
Coding change: c.1865G>A on transcript NM_012330.4 (MANE Select); coding-DNA position 1865, G replaced by A.
Protein change: p.Arg622Gln; replaces arginine 622 with glutamine.
Molecular consequence: missense variant. On other transcripts: intron variant (13).
Genome position (GRCh38, 1-based): chr10:74,976,202, G>A. VCF-style: chr10-74976202-G-A. GRCh37 (hg19) VCF-style: chr10-76735960-G-A.
Other names: c.1865G>A, p.Arg622Gln (NM_001370136.1, NM_001370137.1); c.1117+748G>A (NM_001370139.1, NM_001370140.1, NM_001370141.1 and 3 more transcripts); c.1444+421G>A (NM_001370138.1, NM_001256468.2); c.846+6427G>A (NM_001370133.1); c.193-3022G>A (NM_001370134.1); c.929-1114G>A (NM_001370143.1, NM_001370144.1); c.193-12817G>A (NM_001370135.1); c.1865G>A (NM_012330.2); short protein forms R622Q.
Identifiers: ClinVar variation 1394956 (VCV001394956.12), dbSNP rs773318837, ClinGen allele CA5564480.

ClinVar aggregate classification (germline): Conflicting classifications of pathogenicity. Review status: criteria provided, conflicting classifications (1 of 4 stars). 4 submissions from 4 submitters: Uncertain significance (2); Likely benign (2). Last evaluated 2025-09-02.

Conditions:
Genitopatellar syndrome (GTPTS). Also called: Genitopatellar syndrome (GPS); ABSENT PATELLAE, SCROTAL HYPOPLASIA, RENAL ANOMALIES, FACIAL DYSMORPHISM, AND MENTAL RETARDATION. Identifiers: Orphanet 85201, MedGen C1853566, MONDO:0011640, OMIM 606170.
Blepharophimosis - intellectual disability syndrome, SBBYS type (SBBYSS). Also called: Say-Barber-Biesecker-Young-Simpson variant of Ohdo Syndrome; Say-Barber-Biesecker Variant of Ohdo Syndrome; Say-Barber-Biesecker variant of Ohdo syndrome (SBBYSS); Young Simpson syndrome; Mental retardation unusual facies hypothyroidism; Ohdo syndrome, SBBYS variant. Identifiers: Orphanet 3047, MedGen C1863557, MONDO:0011365, OMIM 603736.
Inborn genetic diseases. Identifiers: MedGen C0950123, MeSH D030342.

Allele frequency attached by ClinVar (database versions not stated): gnomAD 0.00001 and 0.00002; TOPMed 0.00002; gnomAD exomes 0.00006; ExAC 0.00011.
gnomAD v4.1: 46 of 1,613,958 alleles (0.0029%); highest among the groups gnomAD compares: Middle Eastern, 0.016%; no homozygotes.

Submissions (4):

Labcorp Genetics (formerly Invitae), Labcorp
Classification: Uncertain significance for Genitopatellar syndrome. Last evaluated: 2025-09-02. Review status: criteria provided, single submitter. Criteria: Invitae Variant Classification Sherloc (09022015). Collection method: clinical testing. Allele origin: germline.
Comment: This sequence change replaces arginine, which is basic and polar, with glutamine, which is neutral and polar, at codon 622 of the KAT6B protein (p.Arg622Gln). This variant is present in population databases (rs773318837, gnomAD 0.01%). This variant has not been reported in the literature in individuals affected with KAT6B-related conditions. ClinVar contains an entry for this variant (Variation ID: 1394956). An algorithm developed to predict the effect of missense changes on protein structure and function (PolyPhen-2) suggests that this variant is likely to be tolerated. In summary, the available evidence is currently insufficient to determine the role of this variant in disease. Therefore, it has been classified as a Variant of Uncertain Significance.

Fulgent Genetics
Classification: Likely benign for Blepharophimosis - intellectual disability syndrome, SBBYS type; Genitopatellar syndrome. Last evaluated: 2024-06-03. Review status: criteria provided, single submitter. Criteria: ACMG Guidelines, 2015. Collection method: clinical testing. Allele origin: germline.

Ambry Genetics
Classification: Likely benign for Inborn genetic diseases. Last evaluated: 2022-12-01. Review status: criteria provided, single submitter. Criteria: Ambry Variant Classification Scheme 2023. Collection method: clinical testing. Allele origin: germline.

Breakthrough Genomics
Classification: Uncertain significance. Review status: criteria provided, single submitter. Criteria: ACMG Guidelines, 2015. Collection method: not provided. Allele origin: germline. Inheritance: Autosomal dominant inheritance. Affected: yes.